The following is an entry in ClinVar:

ClinVar aggregate classification (germline): Likely pathogenic (1 of 4 stars; one submission).

Submission:

GeneDx
Classification: Likely pathogenic. Last evaluated: 2018-02-21. Review status: criteria provided, single submitter. Criteria: GeneDx Variant Classification (06012015). Collection method: clinical testing. Allele origin: germline. Affected: yes.
Comment: The c.437+2_437+3insG variant in the EYA4 gene has not been reported previously as a pathogenic variant nor as a benign variant, to our knowledge. This variant reduces the quality of the splice donor site in intron 7, and is expected to cause abnormal gene splicing. The c.437+2_437+3insG variant is not observed in large population cohorts (Lek et al., 2016). We interpret c.437+2_437+3insG as a likely pathogenic variant.

NM_004100.5(EYA4):c.437+2_437+3insG

Gene: EYA4 (EYA transcriptional coactivator and phosphatase 4; plus strand). Cytogenetic location: 6q23.2.
Variant type: Insertion.
Coding change: c.437+2_437+3insG on transcript NM_004100.5 (MANE Select); the canonical splice donor site of the intron after coding-DNA position 437 through 3 bases into the intron after coding-DNA position 437, G inserted.
Molecular consequence: intron variant.
Genome position: GRCh38 VCF-style: chr6-133461182-T-TG. GRCh37 (hg19) VCF-style: chr6-133782320-T-TG.
Other names: c.437+2_437+3insG (NM_001301013.2, NM_172105.4); c.368+2_368+3insG (NM_001370458.1, NM_172103.4); c.275+2_275+3insG (NM_001370459.1, NM_001301012.2).
Identifiers: ClinVar variation 504328 (VCV000504328.2), dbSNP rs1554261728, ClinGen allele CA658796832.